The following is an entry in ClinVar:

NC_000010.10:g.(?_28229332)_(28258434_?)dup

Gene: ODAD2 (outer dynein arm docking complex subunit 2; minus strand). Cytogenetic location: 10p12.1.
Variant type: Duplication.
Identifiers: ClinVar variation 3244908 (VCV003244908.1).

ClinVar aggregate classification (germline): Likely pathogenic (1 of 4 stars; one submission).

Conditions:
Primary ciliary dyskinesia 23 (CILD23). Also called: CILIARY DYSKINESIA, PRIMARY, 23, WITH OR WITHOUT SITUS INVERSUS. Identifiers: Orphanet 244, MedGen C3809548, MONDO:0014193, OMIM 615451.

Submission:

Labcorp Genetics (formerly Invitae), Labcorp
Classification: Likely pathogenic for Primary ciliary dyskinesia 23. Last evaluated: 2018-03-16. Review status: criteria provided, single submitter. Criteria: Invitae Variant Classification Sherloc (09022015). Collection method: clinical testing. Allele origin: unknown.
Comment: This variant is a gross duplication of the genomic region encompassing exons 9-13 of the ARMC4 gene. While the exact position of the duplicated exons cannot be determined from this data, sub-genic duplications are generally in tandem (PMID: 25640679) and may result in an absent or disrupted protein product. This variant has not been reported in the literature in individuals with ARMC4-related disease. Loss-of-function variants in ARMC4 are known to be pathogenic (PMID: 23849778). In summary, the currently available evidence indicates that the variant is pathogenic, but additional data are needed to prove that conclusively. Therefore, this variant has been classified as Likely Pathogenic.

Literature cited by the submitters: PubMed 25640679; PubMed 23849778.